The following is an entry in ClinVar:

NM_004656.4(BAP1):c.249_250delinsAG (p.His84Asp)

Gene: BAP1 (BRCA1 associated deubiquitinase 1; minus strand). Cytogenetic location: 3p21.1.
Variant type: Indel.
Coding change: c.249_250delinsAG on transcript NM_004656.4 (MANE Select); coding-DNA positions 249 to 250, CC replaced by AG.
Protein change: p.His84Asp; replaces histidine 84 with aspartic acid.
Molecular consequence: missense variant.
Genome position (GRCh38, 1-based): chr3:52,408,479-52,408,480, GG replaced by CT on the plus strand (CC replaced by AG on the coding strand, the reverse complement: BAP1 is on the minus strand). VCF-style: chr3-52408479-GG-CT. GRCh37 (hg19) VCF-style: chr3-52442495-GG-CT.
Other names: short protein forms H84D.
Identifiers: ClinVar variation 575885 (VCV000575885.5), dbSNP rs1559591523, ClinGen allele CA891842665.
Genomic context (GRCh38, chr3:52,408,479, plus strand): 5'-AAGCAAAAACATGGCAGCATCCCACCCTCCAAACAAAGCACAGAGTCCAGCAGACCTGGT[GG>CT]GCAAAGAACATGTTATTCACAATATCATCATCAATCACGGACGTATCATCCACCAAGGTA-3'
Protein context (NP_004647.1, residues 74-94): DDIVNNMFFA[His84Asp]QLIPNSCATH

ClinVar aggregate classification (germline): Uncertain significance (1 of 4 stars; one submission).

Conditions:
BAP1-related tumor predisposition syndrome (TPDS1). Also called: Tumor susceptibility linked to germline BAP1 mutations; TUMOR PREDISPOSITION SYNDROME 1; BAP1 tumor predisposition syndrome; COMMON Syndrome. Identifiers: Orphanet 289539, MedGen C3280492, MONDO:0013692, OMIM 614327.

Submission:

Labcorp Genetics (formerly Invitae), Labcorp
Classification: Uncertain significance for BAP1-related tumor predisposition syndrome. Last evaluated: 2022-12-05. Review status: criteria provided, single submitter. Criteria: Invitae Variant Classification Sherloc (09022015). Collection method: clinical testing. Allele origin: germline.
Comment: This variant has not been reported in the literature in individuals affected with BAP1-related conditions. Information on the frequency of this variant in the gnomAD database is not available, as this variant may be reported differently in the database. This sequence change replaces histidine, which is basic and polar, with aspartic acid, which is acidic and polar, at codon 84 of the BAP1 protein (p.His84Asp). ClinVar contains an entry for this variant (Variation ID: 575885). In summary, the available evidence is currently insufficient to determine the role of this variant in disease. Therefore, it has been classified as a Variant of Uncertain Significance. Experimental studies and prediction algorithms are not available or were not evaluated, and the functional significance of this variant is currently unknown.